The following is an entry in ClinVar:

ClinVar aggregate classification (germline): Uncertain significance (1 of 4 stars; one submission).

Submission:

Labcorp Genetics (formerly Invitae), Labcorp
Classification: Uncertain significance. Last evaluated: 2024-03-16. Review status: criteria provided, single submitter. Criteria: Invitae Variant Classification Sherloc (09022015). Collection method: clinical testing. Allele origin: germline.
Comment: This sequence change replaces cysteine, which is neutral and slightly polar, with serine, which is neutral and polar, at codon 258 of the PDE4D protein (p.Cys258Ser). This variant is not present in population databases (gnomAD no frequency). This variant has not been reported in the literature in individuals affected with PDE4D-related conditions. Advanced modeling of protein sequence and biophysical properties (such as structural, functional, and spatial information, amino acid conservation, physicochemical variation, residue mobility, and thermodynamic stability) performed at Invitae indicates that this missense variant is not expected to disrupt PDE4D protein function with a negative predictive value of 80%. In summary, the available evidence is currently insufficient to determine the role of this variant in disease. Therefore, it has been classified as a Variant of Uncertain Significance.

NM_001104631.2(PDE4D):c.773G>C (p.Cys258Ser)

Genes: PDE4D (phosphodiesterase 4D; minus strand), LOC129993939 (ATAC-STARR-seq lymphoblastoid silent region 16037; plus strand). Cytogenetic location: 5q11.2.
Variant type: single nucleotide variant.
Coding change: c.773G>C on transcript NM_001104631.2 (MANE Select); coding-DNA position 773, G replaced by C.
Protein change: p.Cys258Ser; replaces cysteine 258 with serine.
Molecular consequence: missense variant. On other transcripts: 5 prime UTR variant (1).
Genome position (GRCh38, 1-based): chr5:59,180,630, C>G on the plus strand (G>C on the coding strand, the complement: PDE4D is on the minus strand). VCF-style: chr5-59180630-C-G. GRCh37 (hg19) VCF-style: chr5-58476456-C-G.
Other names: c.590G>C, p.Cys197Ser (NM_001165899.2, NM_001364599.1, NM_001364600.2); c.581G>C, p.Cys194Ser (NM_001197218.2, NM_001364602.2); c.407G>C, p.Cys136Ser (NM_001197219.2); c.383G>C, p.Cys128Ser (NM_001197220.2); c.560G>C, p.Cys187Ser (NM_001349241.2); c.443G>C, p.Cys148Ser (NM_001349242.2); c.5G>C, p.Cys2Ser (NM_001349243.2, NM_001364604.1); c.-178G>C (NM_001364603.1); and 1 more; short protein forms C136S, C148S, C258S, C2S, C197S, C128S, C194S, C122S.
Identifiers: ClinVar variation 3669005 (VCV003669005.2).